The following is an entry in ClinVar:

NM_017763.6(RNF43):c.492C>G (p.Ile164Met)

Gene: RNF43 (ring finger protein 43; minus strand). Cytogenetic location: 17q22.
Variant type: single nucleotide variant.
Coding change: c.492C>G on transcript NM_017763.6 (MANE Select); coding-DNA position 492, C replaced by G.
Protein change: p.Ile164Met; replaces isoleucine 164 with methionine.
Molecular consequence: missense variant.
Genome position (GRCh38, 1-based): chr17:58,363,365, G>C on the plus strand (C>G on the coding strand, the complement: RNF43 is on the minus strand). VCF-style: chr17-58363365-G-C. GRCh37 (hg19) VCF-style: chr17-56440726-G-C.
Other names: c.492C>G, p.Ile164Met (NM_001305544.3); c.111C>G, p.Ile37Met (NM_001305545.2); short protein forms I164M, I37M.
Identifiers: ClinVar variation 3946928 (VCV003946928.1).
Genomic context (GRCh38, chr17:58,363,365, plus strand): 5'-CACATGGGCCTTTTGGTTCTTGTACACAAACTCCATCAGCTTCTCAGCGTCATTACCCCA[G>C]ATCAACACCACTGGCCAGGTCAGCCCCAGCGGCTGCTGCAGCTACAGGGGGAAAGTGCCC-3'
Protein context (NP_060233.3, residues 154-174): PLGLTWPVVL[Ile164Met]WGNDAEKLME

ClinVar aggregate classification (germline): Uncertain significance (1 of 4 stars; one submission).

gnomAD v4.1: 1 of 1,614,174 alleles (0.000062%); highest among the groups gnomAD compares: Admixed American, 0.0017%; no homozygotes.

Submission:

Ambry Genetics
Classification: Uncertain significance. Last evaluated: 2025-06-01. Review status: criteria provided, single submitter. Criteria: Ambry Variant Classification Scheme 2023. Collection method: clinical testing. Allele origin: germline.
Comment: The p.I164M variant (also known as c.492C>G), located in coding exon 4 of the RNF43 gene, results from a C to G substitution at nucleotide position 492. The isoleucine at codon 164 is replaced by methionine, an amino acid with highly similar properties. This amino acid position is conserved. In addition, this alteration is predicted to be tolerated by in silico analysis. Based on the available evidence, the clinical significance of this variant remains unclear.